The following is an entry in ClinVar:

ClinVar aggregate classification (germline): Uncertain significance. Review status: criteria provided, multiple submitters, no conflicts (2 of 4 stars). 2 submissions from 2 submitters: Uncertain significance (2). Last evaluated 2025-08-08.

Conditions:
Inborn genetic diseases. Identifiers: MedGen C0950123, MeSH D030342.

gnomAD v4.1: 1 of 1,614,108 alleles (0.000062%); highest among the groups gnomAD compares: South Asian, 0.0011%; no homozygotes.

Submissions (2):

Ambry Genetics
Classification: Uncertain significance for Inborn genetic diseases. Last evaluated: 2025-08-08. Review status: criteria provided, single submitter. Criteria: Ambry Variant Classification Scheme 2023. Collection method: clinical testing. Allele origin: germline.

Labcorp Genetics (formerly Invitae), Labcorp
Classification: Uncertain significance. Last evaluated: 2025-03-19. Review status: criteria provided, single submitter. Criteria: Invitae Variant Classification Sherloc (09022015). Collection method: clinical testing. Allele origin: germline.
Comment: This sequence change replaces glutamic acid, which is acidic and polar, with glycine, which is neutral and non-polar, at codon 43 of the WHSC1 protein (p.Glu43Gly). This variant is not present in population databases (gnomAD no frequency). This variant has not been reported in the literature in individuals affected with WHSC1-related conditions. An algorithm developed to predict the effect of missense changes on protein structure and function (PolyPhen-2) suggests that this variant is likely to be tolerated. In summary, the available evidence is currently insufficient to determine the role of this variant in disease. Therefore, it has been classified as a Variant of Uncertain Significance.

NM_001042424.3(NSD2):c.128A>G (p.Glu43Gly)

Gene: NSD2 (nuclear receptor binding SET domain protein 2; plus strand). Cytogenetic location: 4p16.3.
Variant type: single nucleotide variant.
Coding change: c.128A>G on transcript NM_001042424.3 (MANE Select); coding-DNA position 128, A replaced by G.
Protein change: p.Glu43Gly; replaces glutamic acid 43 with glycine.
Molecular consequence: missense variant. On other transcripts: 5 prime UTR variant (2).
Genome position (GRCh38, 1-based): chr4:1,900,782, A>G. VCF-style: chr4-1900782-A-G. GRCh37 (hg19) VCF-style: chr4-1902509-A-G.
Other names: c.128A>G, p.Glu43Gly (NM_001440892.1, NM_001440893.1, NM_001440894.1 and 9 more transcripts); c.-679A>G (NM_001440899.1); c.-946A>G (NM_001440900.1); short protein forms E43G.
Identifiers: ClinVar variation 4122990 (VCV004122990.2).
Genomic context (GRCh38, chr4:1,900,782, plus strand): 5'-AGGCACCAGAAATCCTCGGCAGTGCCAACGGGAAGACTCCGAGCTGCGAGGTGAACCGCG[A>G]GTGTTCTGTGTTCCTCAGCAAAGCCCAGCTCTCCAGTAGCCTGCAGGAGGGGGTCATGCA-3'
Protein context (NP_001035889.1, residues 33-53): GKTPSCEVNR[Glu43Gly]CSVFLSKAQL